The following is an entry in ClinVar:

ClinVar aggregate classification (germline): Uncertain significance (1 of 4 stars; one submission).

Conditions:
Inborn genetic diseases. Identifiers: MedGen C0950123, MeSH D030342.

Submission:

Ambry Genetics
Classification: Uncertain significance for Inborn genetic diseases. Last evaluated: 2022-10-05. Review status: criteria provided, single submitter. Criteria: Ambry Variant Classification Scheme 2023. Collection method: clinical testing. Allele origin: germline.
Comment: The c.1181T>C (p.I394T) alteration is located in exon 9 (coding exon 8) of the HECW2 gene. This alteration results from a T to C substitution at nucleotide position 1181, causing the isoleucine (I) at amino acid position 394 to be replaced by a threonine (T). Based on data from gnomAD, the C allele has an overall frequency of <0.001% (1/251478) total alleles studied. The highest observed frequency was 0.001% (1/113758) of European (non-Finnish) alleles. This amino acid position is poorly conserved in available vertebrate species. This alteration is predicted to be tolerated by in silico analysis. Based on insufficient or conflicting evidence, the clinical significance of this alteration remains unclear.

NM_001348768.2(HECW2):c.1181T>C (p.Ile394Thr)

Gene: HECW2 (HECT, C2 and WW domain containing E3 ubiquitin protein ligase 2; minus strand). Cytogenetic location: 2q32.3.
Variant type: single nucleotide variant.
Coding change: c.1181T>C on transcript NM_001348768.2 (MANE Select); coding-DNA position 1181, T replaced by C.
Protein change: p.Ile394Thr; replaces isoleucine 394 with threonine.
Molecular consequence: missense variant.
Genome position (GRCh38, 1-based): chr2:196,319,709, A>G on the plus strand (T>C on the coding strand, the complement: HECW2 is on the minus strand). VCF-style: chr2-196319709-A-G. GRCh37 (hg19) VCF-style: chr2-197184433-A-G.
Other names: c.113T>C, p.Ile38Thr (NM_001304840.3); c.1181T>C, p.Ile394Thr (NM_020760.4); short protein forms I394T, I38T.
Identifiers: ClinVar variation 2309076 (VCV002309076.2), dbSNP rs1340720299, ClinGen allele CA349966762.